The following is an entry in ClinVar:

ClinVar aggregate classification (germline): Uncertain significance. Review status: criteria provided, multiple submitters, no conflicts (2 of 4 stars). 2 submissions from 2 submitters: Uncertain significance (2). Last evaluated 2025-03-21.

Conditions:
Hereditary cancer-predisposing syndrome. Also called: Neoplastic Syndromes, Hereditary; Tumor predisposition; Hereditary Cancer Syndrome; Hereditary neoplastic syndrome. Identifiers: Orphanet 140162, MedGen C0027672, MeSH D009386, MONDO:0015356.
Neuroblastoma, susceptibility to, 3. Also called: ALK-Related Neuroblastic Tumor Susceptibility. Identifiers: Orphanet 635, MedGen C2751681, MONDO:0013083, OMIM 613014.

Allele frequency attached by ClinVar (database versions not stated): TOPMed below 0.00001.

Submissions (2):

Labcorp Genetics (formerly Invitae), Labcorp
Classification: Uncertain significance for Neuroblastoma, susceptibility to, 3. Last evaluated: 2025-03-21. Review status: criteria provided, single submitter. Criteria: Invitae Variant Classification Sherloc (09022015). Collection method: clinical testing. Allele origin: germline.
Comment: This sequence change replaces cysteine, which is neutral and slightly polar, with arginine, which is basic and polar, at codon 1097 of the ALK protein (p.Cys1097Arg). This variant is not present in population databases (gnomAD no frequency). This variant has not been reported in the literature in individuals affected with ALK-related conditions. ClinVar contains an entry for this variant (Variation ID: 538269). An algorithm developed to predict the effect of missense changes on protein structure and function (PolyPhen-2) suggests that this variant is likely to be tolerated. In summary, the available evidence is currently insufficient to determine the role of this variant in disease. Therefore, it has been classified as a Variant of Uncertain Significance.

Ambry Genetics
Classification: Uncertain significance for Hereditary cancer-predisposing syndrome. Last evaluated: 2024-04-05. Review status: criteria provided, single submitter. Criteria: Ambry Variant Classification Scheme 2023. Collection method: clinical testing. Allele origin: germline.
Comment: The p.C1097R variant (also known as c.3289T>C), located in coding exon 20 of the ALK gene, results from a T to C substitution at nucleotide position 3289. The cysteine at codon 1097 is replaced by arginine, an amino acid with highly dissimilar properties. This amino acid position is highly conserved in available vertebrate species. In addition, this alteration is predicted to be deleterious by in silico analysis. Since supporting evidence is limited at this time, the clinical significance of this alteration remains unclear.

NM_004304.5(ALK):c.3289T>C (p.Cys1097Arg)

Gene: ALK (ALK receptor tyrosine kinase; minus strand). Cytogenetic location: 2p23.2.
Variant type: single nucleotide variant.
Coding change: c.3289T>C on transcript NM_004304.5 (MANE Select); coding-DNA position 3289, T replaced by C.
Protein change: p.Cys1097Arg; replaces cysteine 1097 with arginine.
Molecular consequence: missense variant.
Genome position (GRCh38, 1-based): chr2:29,223,412, A>G on the plus strand (T>C on the coding strand, the complement: ALK is on the minus strand). VCF-style: chr2-29223412-A-G. GRCh37 (hg19) VCF-style: chr2-29446278-A-G.
Other names: c.85T>C, p.Cys29Arg (NM_001353765.2); short protein forms C1097R, C29R.
Identifiers: ClinVar variation 538269 (VCV000538269.13), dbSNP rs1553394453, ClinGen allele CA346464890.